The following is an entry in ClinVar:

ClinVar aggregate classification (germline): Uncertain significance (1 of 4 stars; one submission).

Conditions:
Familial thoracic aortic aneurysm and aortic dissection (TAAD). Also called: Thoracic aortic aneurysms and dissections. Identifiers: Orphanet 91387, MedGen C4707243, MONDO:0019625.

Submission:

Ambry Genetics
Classification: Uncertain significance for Familial thoracic aortic aneurysm and aortic dissection. Last evaluated: 2025-10-21. Review status: criteria provided, single submitter. Criteria: Ambry Variant Classification Scheme 2023. Collection method: clinical testing. Allele origin: germline.
Comment: The c.3526-1G>C intronic alteration consists of a G to C substitution one nucleotide before coding exon 50 of the COL5A2 gene. Alterations that disrupt the canonical splice site are expected to cause aberrant splicing, resulting in an abnormal protein or a transcript that is subject to nonsense-mediated mRNA decay. However, loss of function of COL5A2 has not been established as a mechanism of disease. This variant was not reported in population-based cohorts in the Genome Aggregation Database (gnomAD). This nucleotide position is highly conserved in available vertebrate species. In silico splice site analysis predicts that this alteration will weaken the native splice acceptor site and will result in the creation or strengthening of a novel splice acceptor site. Based on insufficient or conflicting evidence, the clinical significance of this alteration remains unclear.

NM_000393.5(COL5A2):c.3526-1G>C

Gene: COL5A2 (collagen type V alpha 2 chain; minus strand). Cytogenetic location: 2q32.2.
Variant type: single nucleotide variant.
Coding change: c.3526-1G>C on transcript NM_000393.5 (MANE Select); the canonical splice acceptor site of the intron before coding-DNA position 3526, G replaced by C.
Molecular consequence: splice acceptor variant.
Genome position (GRCh38, 1-based): chr2:189,041,694, C>G on the plus strand (G>C on the coding strand, the complement: COL5A2 is on the minus strand). VCF-style: chr2-189041694-C-G. GRCh37 (hg19) VCF-style: chr2-189906420-C-G.
Identifiers: ClinVar variation 4635356 (VCV004635356.1).